The following is an entry in ClinVar:

NM_000038.6(APC):c.814G>T (p.Ala272Ser)

Gene: APC (APC regulator of Wnt signaling pathway; plus strand). Cytogenetic location: 5q22.2.
Variant type: single nucleotide variant.
Coding change: c.814G>T on transcript NM_000038.6 (MANE Select); coding-DNA position 814, G replaced by T.
Protein change: p.Ala272Ser; replaces alanine 272 with serine.
Molecular consequence: missense variant. On other transcripts: 5 prime UTR variant (1).
Genome position (GRCh38, 1-based): chr5:112,801,363, G>T. VCF-style: chr5-112801363-G-T. GRCh37 (hg19) VCF-style: chr5-112137060-G-T.
Other names: c.814G>T, p.Ala272Ser (NM_001127510.3, NM_001354895.2, NM_001354896.2 and 1 more transcripts); c.760G>T, p.Ala254Ser (NM_001127511.3); c.844G>T, p.Ala282Ser (NM_001354897.2, NM_001354902.2); c.739G>T, p.Ala247Ser (NM_001354898.2, NM_001354904.2); c.730G>T, p.Ala244Ser (NM_001354899.2); c.637G>T, p.Ala213Ser (NM_001354900.2, NM_001354901.2, NM_001354905.2); c.-222G>T (NM_001354906.2); c.814G>T (NM_000038.5); short protein forms A213S, A244S, A247S, A254S, A272S, A282S.
Identifiers: ClinVar variation 1021602 (VCV001021602.11), dbSNP rs878853473, ClinGen allele CA16023111.

ClinVar aggregate classification (germline): Uncertain significance. Review status: criteria provided, multiple submitters, no conflicts (2 of 4 stars). 2 submissions from 2 submitters: Uncertain significance (2). Last evaluated 2026-07-07.

Conditions:
Hereditary cancer-predisposing syndrome. Also called: Tumor predisposition; Hereditary Cancer Syndrome; Hereditary neoplastic syndrome; Neoplastic Syndromes, Hereditary. Identifiers: Orphanet 140162, MedGen C0027672, MeSH D009386, MONDO:0015356.
Familial adenomatous polyposis 1 (FAP1). Also called: POLYPOSIS, ADENOMATOUS INTESTINAL; FAMILIAL ADENOMATOUS POLYPOSIS 1, ATTENUATED. Identifiers: MedGen C2713442, MONDO:0021056, OMIM 175100. Disease mechanism: loss of function.

Submissions (2):

Ambry Genetics
Classification: Uncertain significance for Hereditary cancer-predisposing syndrome. Last evaluated: 2026-07-07. Review status: criteria provided, single submitter. Criteria: Ambry Variant Classification Scheme 2023. Collection method: clinical testing. Allele origin: germline.
Comment: The p.A272S variant (also known as c.814G>T), located in coding exon 7 of the APC gene, results from a G to T substitution at nucleotide position 814. The alanine at codon 272 is replaced by serine, an amino acid with similar properties. This amino acid position is conserved. In addition, in silico predictors for this gene do not accurately predict pathogenicity. Based on the available evidence, the clinical significance of this variant remains unclear.

Labcorp Genetics (formerly Invitae), Labcorp
Classification: Uncertain significance for Familial adenomatous polyposis 1. Last evaluated: 2020-06-25. Review status: criteria provided, single submitter. Criteria: Invitae Variant Classification Sherloc (09022015). Collection method: clinical testing. Allele origin: germline.
Comment: In summary, the available evidence is currently insufficient to determine the role of this variant in disease. Therefore, it has been classified as a Variant of Uncertain Significance. Algorithms developed to predict the effect of missense changes on protein structure and function (SIFT, PolyPhen-2, Align-GVGD) all suggest that this variant is likely to be tolerated, but these predictions have not been confirmed by published functional studies and their clinical significance is uncertain. This variant has not been reported in the literature in individuals with APC-related conditions. This variant is not present in population databases (ExAC no frequency). This sequence change replaces alanine with serine at codon 272 of the APC protein (p.Ala272Ser). The alanine residue is highly conserved and there is a moderate physicochemical difference between alanine and serine.